The following is an entry in ClinVar:

ClinVar aggregate classification (germline): Likely benign (1 of 4 stars; one submission).

Allele frequency attached by ClinVar (database versions not stated): 1000 Genomes Project 30x 0.00021; 1000 Genomes Project 0.00026; gnomAD 0.00026; TOPMed 0.00032; ExAC 0.00042; gnomAD exomes 0.00052.
gnomAD v4.1: 543 of 1,121,591 alleles (0.048%); highest among the groups gnomAD compares: Non-Finnish European, 0.061%; no homozygotes.

Submission:

CeGaT Center for Human Genetics Tuebingen
Classification: Likely benign. Last evaluated: 2023-05-01. Review status: criteria provided, single submitter. Criteria: CeGaT Center For Human Genetics Tuebingen Variant Classification Criteria Version 2. Collection method: clinical testing. Allele origin: germline. Affected: yes. Observed: 1 variant allele.
Comment: RADX: BP4, BS2

NM_018015.6(RADX):c.980-8T>C

Gene: RADX (RPA1 related single stranded DNA binding protein, X-linked; plus strand). Cytogenetic location: Xq22.3.
Variant type: single nucleotide variant.
Coding change: c.980-8T>C on transcript NM_018015.6 (MANE Select); 8 bases into the intron before coding-DNA position 980, T replaced by C.
Molecular consequence: intron variant.
Genome position (GRCh38, 1-based): chrX:106,632,617, T>C. VCF-style: chrX-106632617-T-C. GRCh37 (hg19) VCF-style: chrX-105875847-T-C.
Other names: c.980-8T>C (NM_001184782.2).
Identifiers: ClinVar variation 2661132 (VCV002661132.24), dbSNP rs759971240, ClinGen allele CA10482203.